The following is an entry in ClinVar:

ClinVar aggregate classification (germline): Uncertain significance (1 of 4 stars; one submission).

gnomAD v4.1: 7 of 1,550,434 alleles (0.00045%); highest among the groups gnomAD compares: Non-Finnish European, 0.00052%; no homozygotes.

Submission:

Labcorp Genetics (formerly Invitae), Labcorp
Classification: Uncertain significance. Last evaluated: 2024-07-08. Review status: criteria provided, single submitter. Criteria: Invitae Variant Classification Sherloc (09022015). Collection method: clinical testing. Allele origin: germline.
Comment: This sequence change replaces lysine, which is basic and polar, with glutamine, which is neutral and polar, at codon 1342 of the ZNF469 protein (p.Lys1342Gln). This variant is not present in population databases (gnomAD no frequency). This variant has not been reported in the literature in individuals affected with ZNF469-related conditions. An algorithm developed to predict the effect of missense changes on protein structure and function (PolyPhen-2) suggests that this variant is likely to be disruptive. In summary, the available evidence is currently insufficient to determine the role of this variant in disease. Therefore, it has been classified as a Variant of Uncertain Significance.

NM_001367624.2(ZNF469):c.4108A>C (p.Lys1370Gln)

Gene: ZNF469 (zinc finger protein 469; plus strand). Cytogenetic location: 16q24.2.
Variant type: single nucleotide variant.
Coding change: c.4108A>C on transcript NM_001367624.2 (MANE Select); coding-DNA position 4108, A replaced by C.
Protein change: p.Lys1370Gln; replaces lysine 1370 with glutamine.
Molecular consequence: missense variant.
Genome position (GRCh38, 1-based): chr16:88,431,578, A>C. VCF-style: chr16-88431578-A-C. GRCh37 (hg19) VCF-style: chr16-88497986-A-C.
Other names: short protein forms K1370Q.
Identifiers: ClinVar variation 3623153 (VCV003623153.2).